The following is an entry in ClinVar:

ClinVar aggregate classification (germline): Conflicting classifications of pathogenicity. Review status: criteria provided, conflicting classifications (1 of 4 stars). 5 submissions from 5 submitters: Uncertain significance (3); Likely benign (2). Last evaluated 2026-01-29.

Conditions:
Inborn genetic diseases. Identifiers: MedGen C0950123, MeSH D030342.
Autosomal dominant Alport syndrome (ATS3A). Also called: Alport syndrome dominant type; Renal failure and sensorineural hearing loss; ALPORT SYNDROME 3A, AUTOSOMAL DOMINANT. Identifiers: Orphanet 63, Orphanet 88918, MedGen C5882663, MONDO:0007086, OMIM 104200.
Autosomal recessive Alport syndrome (ATS2). Also called: COL4A4 Alport Syndrome and Thin Basement Membrane Nephropathy; ALPORT SYNDROME 2, AUTOSOMAL RECESSIVE; Alport syndrome type 2; COL4A3-Related Nephropathy. Identifiers: Orphanet 63, Orphanet 88919, MedGen C4746745, MONDO:0008762, OMIM 203780.
Benign familial hematuria. Also called: thin basement membrane disease. Identifiers: MedGen C0241908, MONDO:0957317.

Allele frequency attached by ClinVar (database versions not stated): gnomAD exomes 0.00009 and 0.00001; ExAC 0.00018; gnomAD 0.00001; TOPMed 0.00004.
gnomAD v4.1: 16 of 1,608,302 alleles (0.00099%); highest among the groups gnomAD compares: East Asian, 0.036%; no homozygotes.

Submissions (5):

Labcorp Genetics (formerly Invitae), Labcorp
Classification: Likely benign. Last evaluated: 2026-01-29. Review status: criteria provided, single submitter. Criteria: Invitae Variant Classification Sherloc (09022015). Collection method: clinical testing. Allele origin: germline.

Women's Health and Genetics/Laboratory Corporation of America, LabCorp
Classification: Uncertain significance. Last evaluated: 2025-10-29. Review status: criteria provided, single submitter. Criteria: LabCorp Variant Classification Summary - May 2015. Collection method: clinical testing. Allele origin: germline.
Comment: Variant summary: COL4A3 c.3582G>T (p.Arg1194Ser) results in a non-conservative amino acid change in the encoded protein sequence. Algorithms developed to predict the effect of missense changes on protein structure and function are either unavailable or do not agree on the potential impact of this missense change. The variant allele was found at a frequency of 8.9e-05 in 235678 control chromosomes. This frequency is not significantly higher than estimated for disease-causing variants in COL4A3, allowing no conclusion about variant significance. To our knowledge, no occurrence of c.3582G>T in individuals affected with COL4A3-related conditions and no experimental evidence demonstrating its impact on protein function have been reported. ClinVar contains an entry for this variant (Variation ID: 1086818). Based on the evidence outlined above, the variant was classified as uncertain significance.

Ambry Genetics
Classification: Uncertain significance for Inborn genetic diseases. Last evaluated: 2024-12-24. Review status: criteria provided, single submitter. Criteria: Ambry Variant Classification Scheme 2023. Collection method: clinical testing. Allele origin: germline.

GeneDx
Classification: Uncertain significance. Last evaluated: 2024-09-13. Review status: criteria provided, single submitter. Criteria: GeneDx Variant Classification Process June 2021. Collection method: clinical testing. Allele origin: germline. Affected: yes.
Comment: In silico analysis indicates that this missense variant does not alter protein structure/function; Occurs in the triple helical domain at the Y position in the canonical Gly-X-Y repeat; although this variant may have an effect on normal protein folding and function, missense substitution at the Y position is not a common mechanism of disease; Has not been previously published as pathogenic or benign to our knowledge

Fulgent Genetics
Classification: Likely benign for Autosomal dominant Alport syndrome; Hematuria, benign familial, 1; Autosomal recessive Alport syndrome. Last evaluated: 2021-10-28. Review status: criteria provided, single submitter. Criteria: ACMG Guidelines, 2015. Collection method: clinical testing. Allele origin: unknown.

NM_000091.5(COL4A3):c.3582G>T (p.Arg1194Ser)

Genes: MFF-DT (MFF divergent transcript; minus strand), COL4A3 (collagen type IV alpha 3 chain; plus strand). Cytogenetic location: 2q36.3.
Variant type: single nucleotide variant.
Coding change: c.3582G>T on transcript NM_000091.5 (MANE Select); coding-DNA position 3582, G replaced by T.
Protein change: p.Arg1194Ser; replaces arginine 1194 with serine.
Molecular consequence: missense variant.
Genome position (GRCh38, 1-based): chr2:227,297,690, G>T. VCF-style: chr2-227297690-G-T. GRCh37 (hg19) VCF-style: chr2-228162406-G-T.
Other names: c.3582G>T (NM_000091.4); short protein forms R1194S.
Identifiers: ClinVar variation 1086818 (VCV001086818.13), dbSNP rs761347389, ClinGen allele CA2147303.
Genomic context (GRCh38, chr2:227,297,690, plus strand): 5'-GCATATGGGCATTAAAGAAACTTATTAAGCCTTCTTCTTTGCAGGAGCCAAAGGAGACAG[G>T]GGAGCCCCAGGTTTTCCTGGCCTCCCGGGCAGAAAAGGGGCCATGGGAGATGCTGGACCT-3'
Protein context (NP_000082.2, residues 1184-1204): NPGAQGAKGD[Arg1194Ser]GAPGFPGLPG